The following is an entry in ClinVar:

NM_000719.7(CACNA1C):c.2022A>G (p.Gly674=)

Gene: CACNA1C (calcium voltage-gated channel subunit alpha1 C; plus strand). Cytogenetic location: 12p13.33.
Variant type: single nucleotide variant.
Coding change: c.2022A>G on transcript NM_000719.7 (MANE Select); coding-DNA position 2022, A replaced by G.
Protein change: p.Gly674=; no amino-acid change (glycine 674 retained).
Molecular consequence: synonymous variant.
Genome position (GRCh38, 1-based): chr12:2,581,716, A>G. VCF-style: chr12-2581716-A-G. GRCh37 (hg19) VCF-style: chr12-2690882-A-G.
Other names: c.2022A>G, p.Gly674= (NM_001129827.2, NM_001129829.2, NM_001129830.3 and 18 more transcripts); c.2013A>G, p.Gly671= (NM_001129844.2).
Identifiers: ClinVar variation 700472 (VCV000700472.11), dbSNP rs765301620, ClinGen allele CA6388892.

ClinVar aggregate classification (germline): Likely benign. Review status: criteria provided, multiple submitters, no conflicts (2 of 4 stars). 3 submissions from 3 submitters: Likely benign (3). Last evaluated 2026-09-09.

Conditions:
Cardiovascular phenotype. Identifiers: MedGen CN230736.
Long QT syndrome (LQTS). Identifiers: MedGen C0023976, MeSH D008133, MONDO:0002442. Disease mechanism: loss of function. Inheritance: Various modes of inheritance.
CACNA1C-related disorder. Also called: CACNA1C-related condition; CACNA1C-related disorders. Identifiers: MedGen CN381092, MONDO:0700321.

Allele frequency attached by ClinVar (database versions not stated): gnomAD 0.00005; ExAC 0.00001; gnomAD exomes below 0.00001; TOPMed 0.00003.
gnomAD v4.1: 12 of 1,613,288 alleles (0.00074%); highest among the groups gnomAD compares: African/African-American, 0.0027%; no homozygotes.

Submissions (3):

PreventionGenetics, part of Exact Sciences
Classification: Likely benign for CACNA1C-related condition. Last evaluated: 2026-09-09. Review status: criteria provided, single submitter. Criteria: ACMG Guidelines, 2015. Collection method: clinical testing. Allele origin: germline.
Comment: This variant is classified as likely benign based on ACMG/AMP sequence variant interpretation guidelines (Richards et al. 2015 PMID: 25741868, with internal and published modifications).

Labcorp Genetics (formerly Invitae), Labcorp
Classification: Likely benign for Long QT syndrome. Last evaluated: 2025-10-27. Review status: criteria provided, single submitter. Criteria: Invitae Variant Classification Sherloc (09022015). Collection method: clinical testing. Allele origin: germline.

Ambry Genetics
Classification: Likely benign for Cardiovascular phenotype. Last evaluated: 2019-09-22. Review status: criteria provided, single submitter. Criteria: Ambry Variant Classification Scheme 2023. Collection method: clinical testing. Allele origin: germline.